The following is an entry in ClinVar:

ClinVar aggregate classification (germline): Uncertain significance (1 of 4 stars; one submission).

Conditions:
Autosomal dominant epilepsy with auditory features. Identifiers: Orphanet 101046, MedGen C1838062, MONDO:0010898.

Allele frequency attached by ClinVar (database versions not stated): gnomAD exomes below 0.00001 and 0.00001; gnomAD 0.00001; TOPMed 0.00001.
gnomAD v4.1: 6 of 1,613,994 alleles (0.00037%); highest among the groups gnomAD compares: East Asian, 0.0045%; no homozygotes.

Submission:

Labcorp Genetics (formerly Invitae), Labcorp
Classification: Uncertain significance for Autosomal dominant epilepsy with auditory features. Last evaluated: 2021-04-08. Review status: criteria provided, single submitter. Criteria: Invitae Variant Classification Sherloc (09022015). Collection method: clinical testing. Allele origin: germline.
Comment: In summary, the available evidence is currently insufficient to determine the role of this variant in disease. Therefore, it has been classified as a Variant of Uncertain Significance. Algorithms developed to predict the effect of missense changes on protein structure and function (SIFT, PolyPhen-2, Align-GVGD) all suggest that this variant is likely to be disruptive, but these predictions have not been confirmed by published functional studies and their clinical significance is uncertain. This variant has not been reported in the literature in individuals with LGI1-related conditions. This variant is not present in population databases (ExAC no frequency). This sequence change replaces asparagine with serine at codon 333 of the LGI1 protein (p.Asn333Ser). The asparagine residue is highly conserved and there is a small physicochemical difference between asparagine and serine.

NM_005097.4(LGI1):c.998A>G (p.Asn333Ser)

Gene: LGI1 (leucine rich glioma inactivated 1; plus strand). Cytogenetic location: 10q23.33.
Variant type: single nucleotide variant.
Coding change: c.998A>G on transcript NM_005097.4 (MANE Select); coding-DNA position 998, A replaced by G.
Protein change: p.Asn333Ser; replaces asparagine 333 with serine.
Molecular consequence: missense variant. On other transcripts: non-coding transcript variant (1), intron variant (1).
Genome position (GRCh38, 1-based): chr10:93,797,127, A>G. VCF-style: chr10-93797127-A-G. GRCh37 (hg19) VCF-style: chr10-95556884-A-G.
Other names: c.854A>G, p.Asn285Ser (NM_001308276.2); c.839-622A>G (NM_001308275.2); short protein forms N333S, N285S.
Identifiers: ClinVar variation 1524003 (VCV001524003.8), dbSNP rs796052698, ClinGen allele CA315729.